The following is an entry in ClinVar:

ClinVar aggregate classification (germline): Uncertain significance (1 of 4 stars; one submission).

Conditions:
Developmental and epileptic encephalopathy, 36 (DEE36). Also called: Congenital disorder of glycosylation, type Is; Epileptic encephalopathy, early infantile, 36; ALG13-CDG. Identifiers: Orphanet 324422, MedGen C4317295, MONDO:0010472, OMIM 300884.

Submission:

Labcorp Genetics (formerly Invitae), Labcorp
Classification: Uncertain significance for Developmental and epileptic encephalopathy, 36. Last evaluated: 2023-03-02. Review status: criteria provided, single submitter. Criteria: Invitae Variant Classification Sherloc (09022015). Collection method: clinical testing. Allele origin: germline.
Comment: This sequence change replaces valine, which is neutral and non-polar, with methionine, which is neutral and non-polar, at codon 949 of the ALG13 protein (p.Val949Met). In summary, the available evidence is currently insufficient to determine the role of this variant in disease. Therefore, it has been classified as a Variant of Uncertain Significance. Algorithms developed to predict the effect of missense changes on protein structure and function output the following: SIFT: "Not Available"; PolyPhen-2: "Benign"; Align-GVGD: "Not Available". The methionine amino acid residue is found in multiple mammalian species, which suggests that this missense change does not adversely affect protein function. This variant has not been reported in the literature in individuals affected with ALG13-related conditions. This variant is not present in population databases (gnomAD no frequency).

NM_001099922.3(ALG13):c.2845G>A (p.Val949Met)

Gene: ALG13 (ALG13 UDP-N-acetylglucosaminyltransferase subunit; plus strand). Cytogenetic location: Xq23.
Variant type: single nucleotide variant.
Coding change: c.2845G>A on transcript NM_001099922.3 (MANE Select); coding-DNA position 2845, G replaced by A.
Protein change: p.Val949Met; replaces valine 949 with methionine.
Molecular consequence: missense variant. On other transcripts: intron variant (5).
Genome position (GRCh38, 1-based): chrX:111,744,817, G>A. VCF-style: chrX-111744817-G-A. GRCh37 (hg19) VCF-style: chrX-110988045-G-A.
Other names: c.2611G>A, p.Val871Met (NM_001257231.2); c.2383+7938G>A (NM_001257237.2, NM_001257234.2, NM_001257230.2); c.2209+7938G>A (NM_001324293.1); c.2695+7938G>A (NM_001324292.2); short protein forms V871M, V949M.
Identifiers: ClinVar variation 2834851 (VCV002834851.3), dbSNP rs2526305771, ClinGen allele CA414291626.